The following is an entry in ClinVar:

NC_000007.14:g.107563928G>C

Gene: COG5 (component of oligomeric golgi complex 5; minus strand). Cytogenetic location: 7q22.3.
Variant type: single nucleotide variant.
Genome position: GRCh38 VCF-style: chr7-107563928-G-C. GRCh37 (hg19) VCF-style: chr7-107204373-G-C.
Identifiers: ClinVar variation 2176417 (VCV002176417.1), dbSNP rs764477969, ClinGen allele CA4431609.

ClinVar aggregate classification (germline): Uncertain significance (1 of 4 stars; one submission).

Conditions:
COG5-congenital disorder of glycosylation. Also called: CDG IIi; CONGENITAL DISORDER OF GLYCOSYLATION, TYPE IIi; COG5-CDG. Identifiers: Orphanet 263487, MedGen C3150876, MONDO:0013325, OMIM 613612.

Allele frequency attached by ClinVar (database versions not stated): ExAC 0.00009.

Submission:

Labcorp Genetics (formerly Invitae), Labcorp
Classification: Uncertain significance for COG5-congenital disorder of glycosylation. Last evaluated: 2022-10-11. Review status: criteria provided, single submitter. Criteria: Invitae Variant Classification Sherloc (09022015). Collection method: clinical testing. Allele origin: germline.
Comment: This sequence change replaces alanine, which is neutral and non-polar, with glycine, which is neutral and non-polar, at codon 21 of the COG5 protein (p.Ala21Gly). This variant is present in population databases (rs764477969, gnomAD 0.06%). This variant has not been reported in the literature in individuals affected with COG5-related conditions. Algorithms developed to predict the effect of missense changes on protein structure and function output the following: SIFT: "Tolerated"; PolyPhen-2: "Possibly Damaging"; Align-GVGD: "Class C0". The glycine amino acid residue is found in multiple mammalian species, which suggests that this missense change does not adversely affect protein function. In summary, the available evidence is currently insufficient to determine the role of this variant in disease. Therefore, it has been classified as a Variant of Uncertain Significance.